The following is an entry in ClinVar:

NM_000122.2(ERCC3):c.133C>T (p.Gln45Ter)

Gene: ERCC3 (ERCC excision repair 3, TFIIH core complex helicase subunit; minus strand). Cytogenetic location: 2q14.3.
Variant type: single nucleotide variant.
Coding change: c.133C>T on transcript NM_000122.2 (MANE Select); coding-DNA position 133, C replaced by T.
Protein change: p.Gln45Ter; replaces glutamine 45 with a stop codon.
Molecular consequence: nonsense. On other transcripts: 5 prime UTR variant (2).
Genome position (GRCh38, 1-based): chr2:127,293,614, G>A on the plus strand (C>T on the coding strand, the complement: ERCC3 is on the minus strand). VCF-style: chr2-127293614-G-A. GRCh37 (hg19) VCF-style: chr2-128051190-G-A.
Other names: c.-60C>T (NM_001303416.2, NM_001303418.2); short protein forms Q45*.
Identifiers: ClinVar variation 2717993 (VCV002717993.3), dbSNP rs1685354796, ClinGen allele CA348392201.
Genomic context (GRCh38, chr2:127,293,614, plus strand): 5'-TTTGCAGCCTGTAGTCCTTGGCTCCATATTCATCCACTTTGGTGCCTGACTCATCCACCT[G>A]CTTCCCCGCCGCCGAGGGAACCGCTTCCTGAGGGTCGTTCCCCGGGGCGTCCTCTTCATC-3'

ClinVar aggregate classification (germline): Pathogenic (1 of 4 stars; one submission).

Submission:

Labcorp Genetics (formerly Invitae), Labcorp
Classification: Pathogenic. Last evaluated: 2023-06-16. Review status: criteria provided, single submitter. Criteria: Invitae Variant Classification Sherloc (09022015). Collection method: clinical testing. Allele origin: germline.
Comment: This variant is not present in population databases (gnomAD no frequency). For these reasons, this variant has been classified as Pathogenic. This variant has not been reported in the literature in individuals affected with ERCC3-related conditions. This sequence change creates a premature translational stop signal (p.Gln45*) in the ERCC3 gene. It is expected to result in an absent or disrupted protein product. Loss-of-function variants in ERCC3 are known to be pathogenic (PMID: 16947863).

Literature cited by the submitters: PubMed 16947863.